The following is an entry in ClinVar:

NM_024334.3(TMEM43):c.516C>G (p.Ala172=)

Gene: TMEM43 (transmembrane protein 43; plus strand). Cytogenetic location: 3p25.1.
Variant type: single nucleotide variant.
Coding change: c.516C>G on transcript NM_024334.3 (MANE Select); coding-DNA position 516, C replaced by G.
Protein change: p.Ala172=; no amino-acid change (alanine 172 retained).
Molecular consequence: synonymous variant.
Genome position (GRCh38, 1-based): chr3:14,133,742, C>G. VCF-style: chr3-14133742-C-G. GRCh37 (hg19) VCF-style: chr3-14175242-C-G.
Other names: c.519C>G, p.Ala173= (NM_001407274.1); c.516C>G, p.Ala172= (NM_001407275.1, NM_001407276.1, NM_001407277.1 and 1 more transcripts); c.501C>G, p.Ala167= (NM_001407278.1); c.366C>G, p.Ala122= (NM_001407280.1).
Identifiers: ClinVar variation 3074703 (VCV003074703.1), dbSNP rs148432515, ClinGen allele CA432551542.

ClinVar aggregate classification (germline): Likely benign (1 of 4 stars; one submission).

Conditions:
Arrhythmogenic right ventricular dysplasia 5. Also called: Arrhythmogenic Right Ventricular Dysplasia/Cardiomyopathy 5; ARRHYTHMOGENIC RIGHT VENTRICULAR DYSPLASIA, FAMILIAL, 5. Identifiers: MedGen C1858379, MONDO:0011459, OMIM 604400.

gnomAD v4.1: 2 of 1,614,150 alleles (0.00012%); highest among the groups gnomAD compares: Non-Finnish European, 0.00017%; no homozygotes.

Submission:

All of Us Research Program, National Institutes of Health
Classification: Likely benign for Arrhythmogenic right ventricular dysplasia 5. Last evaluated: 2023-11-20. Review status: criteria provided, single submitter. Criteria: ACMG Guidelines, 2015. Collection method: clinical testing. Allele origin: germline. Inheritance: Autosomal dominant inheritance. Observed: 1 variant allele, 1 heterozygote.
Comment: This study involves interpretation of variants in research participants for the purpose of population health screening. Participant phenotype was not available at the time of variant classification. Additional details can be found in publication PMID: 35346344, PMCID: PMC8962531